The following is an entry in ClinVar:

ClinVar aggregate classification (germline): Uncertain significance. Review status: reviewed by expert panel (3 of 4 stars). 2 submissions from 2 submitters: Uncertain significance (1). 1 of the submissions does not count toward it. Last evaluated 2024-09-16.

Conditions:
Thrombocytopenia. Identifiers: MedGen C0040034, MeSH D013921, MONDO:0002049, HP:0001873.
Hereditary thrombocytopenia and hematologic cancer predisposition syndrome. Identifiers: Orphanet 71290, MedGen CN281654, MONDO:0011071.

Submissions (2):

ClinGen Myeloid Malignancy Variant Curation Expert Panel
Classification: Uncertain significance for Hereditary thrombocytopenia and hematologic cancer predisposition syndrome. Last evaluated: 2024-09-16. Review status: reviewed by expert panel. Criteria: ClinGen MyeloMalig ACMG Specifications v2. Collection method: curation. Allele origin: germline. Inheritance: Autosomal dominant inheritance.
Comment: NM_001754.5(RUNX1):c.1164del (p.Ser389ArgfsTer?) is a frameshift variant which terminates 205 residues later, is not predicted to undergo NMD, and the truncated/altered region is critical for protein function (frameshift (-) c.759-c.1440 as per VCEP specifications) (PVS1_Strong). This variant is completely absent from all population databases with at least 20x coverage for RUNX1 (PM2_supporting). In summary, the clinical significance of this variant is uncertain. ACMG/AMP criteria applied, as specified by the Myeloid Malignancy Variant Curation Expert Panel for RUNX1: PVS1_strong, PM2_supporting.

NIHR Bioresource Rare Diseases, University of Cambridge
Classification: Likely pathogenic for Thrombocytopenia. Review status: no assertion criteria provided. Collection method: research. Allele origin: unknown. Affected: yes. Observed: 1 variant allele. Not counted in ClinVar's aggregate classification.

Literature cited by the submitters: PubMed 32581362 (cited by NIHR Bioresource Rare Diseases, University of Cambridge).

NM_001754.5(RUNX1):c.1164del (p.Ser389fs)

Gene: RUNX1 (RUNX family transcription factor 1; minus strand). Cytogenetic location: 21q22.12.
Variant type: Deletion.
Coding change: c.1164del on transcript NM_001754.5 (MANE Select); coding-DNA position 1164, one base deleted (G; older notation c.1164delG).
Protein change: p.Ser389fs; shifts the reading frame from serine 389.
Molecular consequence: frameshift variant.
Genome position (GRCh38, 1-based): chr21:34,792,414, C deleted on the plus strand (G on the coding strand, the reverse complement: RUNX1 is on the minus strand). VCF-style (leftmost placement, unchanged base first): chr21-34792413-AC-A. GRCh37 (hg19) VCF-style: chr21-36164710-AC-A.
Other names: NM_001754.5(RUNX1):c.1164del; p.Ser389fs; c.1083del, p.Ser362fs (NM_001001890.3); short protein forms S362fs, S389fs.
Identifiers: ClinVar variation 812738 (VCV000812738.3), dbSNP rs1601333051, ClinGen allele CA915952602.
Genomic context (GRCh38, chr21:34,792,413, plus strand): 5'-CGCCGTAGTACAGGTGGTAGGAGGGCGAGCTGGCTTGGAACGGGCCTCCCTGCGCTTGCG[AC>A]GAGCCGGGGTAGGGCGGCGGCAGGTAGGTGTGGTAGCGCGTGGCCGAGCCCATGGCCGAC-3'